The following is an entry in ClinVar:

ClinVar aggregate classification (germline): Likely benign (1 of 4 stars; one submission).

Conditions:
Legius syndrome. Identifiers: Orphanet 137605, MedGen C1969623, MONDO:0012669, OMIM 611431. Disease mechanism: loss of function.

Allele frequency attached by ClinVar (database versions not stated): 1000 Genomes Project 30x 0.00156; 1000 Genomes Project 0.00200; TOPMed 0.00361; gnomAD 0.00401 and 0.00408.

Submission:

Illumina Laboratory Services, Illumina
Classification: Likely benign for Legius syndrome. Last evaluated: 2018-01-13. Review status: criteria provided, single submitter. Criteria: ICSL Variant Classification Criteria 13 December 2019. Collection method: clinical testing. Allele origin: germline.
Comment: This variant was observed in the ICSL laboratory as part of a predisposition screen in an ostensibly healthy population. It had not been previously curated by ICSL or reported in the Human Gene Mutation Database (HGMD: prior to June 1st, 2018), and was therefore a candidate for classification through an automated scoring system. Utilizing variant allele frequency, disease prevalence and penetrance estimates, and inheritance mode, an automated score was calculated to assess if this variant is too frequent to cause the disease. Based on the score and internal cut-off values, a variant classified as likely benign is not then subjected to further curation. The score for this variant resulted in a classification of likely benign for this disease.

NM_152594.3(SPRED1):c.*2570T>C

Gene: SPRED1 (sprouty related EVH1 domain containing 1; plus strand). Cytogenetic location: 15q14.
Variant type: single nucleotide variant.
Coding change: c.*2570T>C on transcript NM_152594.3 (MANE Select); 2570 bases downstream of the stop codon, T replaced by C.
Molecular consequence: 3 prime UTR variant.
Genome position (GRCh38, 1-based): chr15:38,354,234, T>C. VCF-style: chr15-38354234-T-C. GRCh37 (hg19) VCF-style: chr15-38646435-T-C.
Identifiers: ClinVar variation 315761 (VCV000315761.5), dbSNP rs111997668, ClinGen allele CA10635912.